The following is an entry in ClinVar:

ClinVar aggregate classification (germline): Benign/Likely benign. Review status: criteria provided, multiple submitters, no conflicts (2 of 4 stars). 10 submissions from 10 submitters: Benign (8); Likely benign (1). 1 of the submissions does not count toward it. Last evaluated 2025-04-09.

Conditions:
Cardiac arrhythmia, ankyrin-B-related. Also called: ANKYRIN-B SYNDROME. Identifiers: Orphanet 101016, Orphanet 768, MedGen C1970119, MONDO:0010958, OMIM 600919.

Allele frequency attached by ClinVar (database versions not stated): 1000 Genomes Project 0.01777; 1000 Genomes Project 30x 0.01905; gnomAD exomes 0.02803 and 0.03109; ExAC 0.02887; gnomAD 0.02950 and 0.03095; TOPMed 0.03044; ESP Exome Variant Server 0.03222.
gnomAD v4.1: 49,923 of 1,614,054 alleles (3.1%); highest among the groups gnomAD compares: Non-Finnish European, 3.4%; 877 homozygotes.

Submissions (10):

Molecular Diagnostic Laboratory for Inherited Cardiovascular Disease, Montreal Heart Institute
Classification: Benign. Last evaluated: 2025-04-09. Review status: criteria provided, single submitter. Criteria: ACMG Guidelines, 2015. Collection method: clinical testing. Allele origin: germline. Affected: no.

Blueprint Genetics
Classification: Likely benign. Last evaluated: 2024-11-26. Review status: criteria provided, single submitter. Criteria: ACMG Guidelines, 2015. Collection method: clinical testing. Allele origin: germline.

Genome-Nilou Lab
Classification: Benign for Cardiac arrhythmia, ankyrin-B-related. Last evaluated: 2021-12-05. Review status: criteria provided, single submitter. Criteria: ACMG Guidelines, 2015. Collection method: clinical testing. Allele origin: germline. Affected: no.

Illumina Laboratory Services, Illumina
Classification: Benign for Cardiac arrhythmia, ankyrin-B-related. Last evaluated: 2018-01-12. Review status: criteria provided, single submitter. Criteria: ICSL Variant Classification Criteria 13 December 2019. Collection method: clinical testing. Allele origin: germline.
Comment: This variant was observed in the ICSL laboratory as part of a predisposition screen in an ostensibly healthy population. It had not been previously curated by ICSL or reported in the Human Gene Mutation Database (HGMD: prior to June 1st, 2018), and was therefore a candidate for classification through an automated scoring system. Utilizing variant allele frequency, disease prevalence and penetrance estimates, and inheritance mode, an automated score was calculated to assess if this variant is too frequent to cause the disease. Based on the score and internal cut-off values, a variant classified as benign is not then subjected to further curation. The score for this variant resulted in a classification of benign for this disease.

Mayo Clinic Laboratories, Mayo Clinic
Classification: Benign. Last evaluated: 2016-03-07. Review status: criteria provided, single submitter. Criteria: ACMG Guidelines, 2015. Collection method: clinical testing. Allele origin: germline. Observed: 65 variant alleles.

Genome Diagnostics Laboratory, University Medical Center Utrecht
Classification: Benign for Cardiac arrhythmia, ankyrin-B-related. Last evaluated: 2014-10-09. Review status: criteria provided, single submitter. Criteria: ACGS Guidelines, 2013. Collection method: clinical testing. Allele origin: germline. Affected: yes. Study: VKGL Data-share Consensus.

GeneDx
Classification: Benign. Last evaluated: 2011-07-10. Review status: criteria provided, single submitter. Criteria: GeneDx Variant Classification (06012015). Collection method: clinical testing. Allele origin: germline. Affected: yes.
Comment: This variant is considered likely benign or benign based on one or more of the following criteria: it is a conservative change, it occurs at a poorly conserved position in the protein, it is predicted to be benign by multiple in silico algorithms, and/or has population frequency not consistent with disease.

Breakthrough Genomics
Classification: Benign. Review status: criteria provided, single submitter. Criteria: ACMG Guidelines, 2015. Collection method: not provided. Allele origin: germline. Inheritance: Autosomal dominant inheritance. Affected: yes.

PreventionGenetics, part of Exact Sciences
Classification: Benign. Review status: criteria provided, single submitter. Criteria: ACMG Guidelines, 2015. Collection method: clinical testing. Allele origin: germline.

Clinical Genetics, Academic Medical Center
Classification: Benign. Review status: no assertion criteria provided. Collection method: clinical testing. Allele origin: germline. Affected: yes. Study: VKGL Data-share Consensus. Not counted in ClinVar's aggregate classification.

NM_001148.4(ANK2):c.*7C>T

Gene: ANK2 (ankyrin 2; plus strand). Cytogenetic location: 4q26.
Variant type: single nucleotide variant.
Coding change: c.*7C>T on transcript NM_001148.4; 7 bases downstream of the stop codon, C replaced by T.
Molecular consequence: 3 prime UTR variant (on NM_001148.6). On other transcripts: synonymous variant (2).
Genome position (GRCh38, 1-based): chr4:113,381,478, C>T. VCF-style: chr4-113381478-C-T. GRCh37 (hg19) VCF-style: chr4-114302634-C-T.
Other names: c.*7C>T (NM_001148.5, NM_001127493.3, NM_001148.6 and 70 more transcripts); c.12390C>T, p.Ile4130= (NM_001386174.1); c.12366C>T, p.Ile4122= (NM_001386175.1).
Identifiers: ClinVar variation 136400 (VCV000136400.15), dbSNP rs35446871, ClinGen allele CA289476.